The following is an entry in ClinVar:

ClinVar aggregate classification (germline): Uncertain significance (1 of 4 stars; one submission).

Submission:

Ambry Genetics
Classification: Uncertain significance. Last evaluated: 2024-08-22. Review status: criteria provided, single submitter. Criteria: Ambry Variant Classification Scheme 2023. Collection method: clinical testing. Allele origin: germline.
Comment: The p.S562N variant (also known as c.1685G>A), located in coding exon 11 of the POLQ gene, results from a G to A substitution at nucleotide position 1685. The serine at codon 562 is replaced by asparagine, an amino acid with highly similar properties. This amino acid position is conserved. In addition, this alteration is predicted to be tolerated by in silico analysis. Based on the available evidence, the clinical significance of this variant remains unclear.

NM_199420.4(POLQ):c.1685G>A (p.Ser562Asn)

Gene: POLQ (DNA polymerase theta; minus strand). Cytogenetic location: 3q13.33.
Variant type: single nucleotide variant.
Coding change: c.1685G>A on transcript NM_199420.4 (MANE Select); coding-DNA position 1685, G replaced by A.
Protein change: p.Ser562Asn; replaces serine 562 with asparagine.
Molecular consequence: missense variant.
Genome position (GRCh38, 1-based): chr3:121,510,170, C>T on the plus strand (G>A on the coding strand, the complement: POLQ is on the minus strand). VCF-style: chr3-121510170-C-T. GRCh37 (hg19) VCF-style: chr3-121229017-C-T.
Other names: short protein forms S562N.
Identifiers: ClinVar variation 3422511 (VCV003422511.1).